The following is an entry in ClinVar:

NM_001723.7(DST):c.5183T>C (p.Ile1728Thr)

Gene: DST (dystonin; minus strand). Cytogenetic location: 6p12.1.
Variant type: single nucleotide variant.
Coding change: c.5183T>C on transcript NM_001723.7 (MANE Plus Clinical); coding-DNA position 5183, T replaced by C.
Protein change: p.Ile1728Thr; replaces isoleucine 1728 with threonine.
Molecular consequence: missense variant. On other transcripts: intron variant (10).
Genome position (GRCh38, 1-based): chr6:56,618,851, A>G on the plus strand (T>C on the coding strand, the complement: DST is on the minus strand). VCF-style: chr6-56618851-A-G. GRCh37 (hg19) VCF-style: chr6-56483649-A-G.
Other names: c.4831-4367T>C (NM_001144769.5); c.4930-4367T>C (NM_001374722.1, NM_001374736.1); c.4957-4367T>C (NM_001374734.1); c.4417-4367T>C (NM_001144770.2); c.4297-4367T>C (NM_001374730.1, NM_001386100.1, NM_183380.4 and 1 more transcripts); c.3319-4367T>C (NM_015548.5); short protein forms I1728T.
Identifiers: ClinVar variation 1376771 (VCV001376771.6), dbSNP rs761583910, ClinGen allele CA3870398.
Genomic context (GRCh38, chr6:56,618,851, plus strand): 5'-TTGAATTTACCAGATTCTTCCTGAAACAGAACCATCTTTCTGTGGGTCATCTGCTCCTCT[A>G]TGGTCTTTAAGTGTAATTCGTCTTGTACTTTTTTCAACCTGTTATTTAACTCTTGCACCT-3'
Protein context (NP_001714.1, residues 1718-1738): KVQDELHLKT[Ile1728Thr]EEQMTHRKMV

ClinVar aggregate classification (germline): Uncertain significance (1 of 4 stars; one submission).

Conditions:
Epidermolysis bullosa simplex 3, localized or generalized intermediate, with BP230 deficiency (EBS3). Also called: Epidermolysis bullosa simplex, autosomal recessive 2; Epidermolysis bullosa simplex due to BP230 deficiency. Identifiers: Orphanet 412181, MedGen C3809470, MONDO:0014180, OMIM 615425.
Hereditary sensory and autonomic neuropathy type 6. Also called: Neuropathy, hereditary sensory and autonomic, type VI; HSAN VI. Identifiers: Orphanet 314381, MedGen C3539003, MONDO:0013839, OMIM 614653.

Allele frequency attached by ClinVar (database versions not stated): gnomAD 0.00001; gnomAD exomes 0.00001; ExAC 0.00002; TOPMed 0.00002.
gnomAD v4.1: 14 of 1,613,886 alleles (0.00087%); highest among the groups gnomAD compares: South Asian, 0.0055%; no homozygotes.

Submission:

Labcorp Genetics (formerly Invitae), Labcorp
Classification: Uncertain significance for Epidermolysis bullosa simplex 3, localized or generalized intermediate, with BP230 deficiency; Hereditary sensory and autonomic neuropathy type 6. Last evaluated: 2021-11-29. Review status: criteria provided, single submitter. Criteria: Invitae Variant Classification Sherloc (09022015). Collection method: clinical testing. Allele origin: germline.
Comment: In summary, the available evidence is currently insufficient to determine the role of this variant in disease. Therefore, it has been classified as a Variant of Uncertain Significance. Algorithms developed to predict the effect of missense changes on protein structure and function are either unavailable or do not agree on the potential impact of this missense change (SIFT: "Deleterious"; PolyPhen-2: "Benign"; Align-GVGD: "Class C25"). This variant has not been reported in the literature in individuals affected with DST-related conditions. This variant is present in population databases (rs761583910, gnomAD 0.007%). This sequence change replaces isoleucine, which is neutral and non-polar, with threonine, which is neutral and polar, at codon 1728 of the DST protein (p.Ile1728Thr).